The following is an entry in ClinVar:

NM_002582.4(PARN):c.432_433delinsCA (p.Glu144_Gln145delinsAspLys)

Gene: PARN (poly(A)-specific ribonuclease; minus strand). Cytogenetic location: 16p13.12.
Variant type: Indel.
Coding change: c.432_433delinsCA on transcript NM_002582.4 (MANE Select); coding-DNA positions 432 to 433, GC replaced by CA.
Protein change: p.Glu144_Gln145delinsAspLys.
Molecular consequence: missense variant.
Genome position (GRCh38, 1-based): chr16:14,610,765-14,610,766, GC replaced by TG on the plus strand (GC replaced by CA on the coding strand, the reverse complement: PARN is on the minus strand). VCF-style: chr16-14610765-GC-TG. GRCh37 (hg19) VCF-style: chr16-14704622-GC-TG.
Other names: c.249_250delinsCA, p.Glu83_Gln84delinsAspLys (NM_001134477.3); c.294_295delinsCA, p.Glu98_Gln99delinsAspLys (NM_001242992.2).
Identifiers: ClinVar variation 4792557 (VCV004792557.1).

ClinVar aggregate classification (germline): Uncertain significance (1 of 4 stars; one submission).

Conditions:
Pulmonary fibrosis and/or bone marrow failure, Telomere-related, 4. Also called: PULMONARY FIBROSIS AND/OR BONE MARROW FAILURE SYNDROME, TELOMERE-RELATED, 4. Identifiers: Orphanet 2032, MedGen C4225347, MONDO:0014612, OMIM 616371.
Dyskeratosis congenita, autosomal recessive 6 (DKCB6). Identifiers: MedGen C4225356, MONDO:0014600, OMIM 616353.

Submission:

Labcorp Genetics (formerly Invitae), Labcorp
Classification: Uncertain significance for Dyskeratosis congenita, autosomal recessive 6; Pulmonary fibrosis and/or bone marrow failure, Telomere-related, 4. Last evaluated: 2025-12-23. Review status: criteria provided, single submitter. Criteria: Invitae Variant Classification Sherloc (09022015). Collection method: clinical testing. Allele origin: germline.
Comment: This variant, c.432_433delinsCA, is a complex sequence change that results in the deletion of 2 and insertion of 2 amino acid(s) in the PARN protein (p.Glu144_Gln145delinsAspLys). Information on the frequency of this variant in the gnomAD database is not available, as this variant may be reported differently in the database. This variant has not been reported in the literature in individuals affected with PARN-related conditions. Experimental studies and prediction algorithms are not available or were not evaluated, and the functional significance of this variant is currently unknown. In summary, the available evidence is currently insufficient to determine the role of this variant in disease. Therefore, it has been classified as a Variant of Uncertain Significance.